The following is an entry in ClinVar:

NM_001365896.1(NACA):c.5484C>G (p.Pro1828=)

Gene: NACA (nascent polypeptide associated complex subunit alpha; minus strand). Cytogenetic location: 12q13.3.
Variant type: single nucleotide variant.
Coding change: c.5484C>G on transcript NM_001365896.1 (MANE Select); coding-DNA position 5484, C replaced by G.
Protein change: p.Pro1828=; no amino-acid change (proline 1828 retained).
Molecular consequence: synonymous variant. On other transcripts: intron variant (5).
Genome position (GRCh38, 1-based): chr12:56,716,046, G>C on the plus strand (C>G on the coding strand, the complement: NACA is on the minus strand). VCF-style: chr12-56716046-G-C. GRCh37 (hg19) VCF-style: chr12-57109830-G-C.
Other names: c.2025C>G, p.Pro675= (NM_001113203.3); c.71-1359C>G (NM_001113202.2, NM_001320194.2, NM_001320193.2 and 2 more transcripts).
Identifiers: ClinVar variation 2643101 (VCV002643101.24), dbSNP rs138803259, ClinGen allele CA6636184.

ClinVar aggregate classification (germline): Likely benign (1 of 4 stars; one submission).

Allele frequency attached by ClinVar (database versions not stated): TOPMed 0.00039; 1000 Genomes Project 30x 0.00141; 1000 Genomes Project 0.00180.
gnomAD v4.1: 190 of 1,610,574 alleles (0.012%); highest among the groups gnomAD compares: East Asian, 0.37%; no homozygotes.

Submission:

CeGaT Center for Human Genetics Tuebingen
Classification: Likely benign. Last evaluated: 2022-04-01. Review status: criteria provided, single submitter. Criteria: CeGaT Center For Human Genetics Tuebingen Variant Classification Criteria Version 2. Collection method: clinical testing. Allele origin: germline. Affected: yes. Observed: 1 variant allele.
Comment: NACA: BP4